The following is an entry in ClinVar:

NM_001366385.1(CARD14):c.2938G>A (p.Gly980Ser)

Genes: SGSH (N-sulfoglucosamine sulfohydrolase; minus strand), CARD14 (caspase recruitment domain family member 14; plus strand). Cytogenetic location: 17q25.3.
Variant type: single nucleotide variant.
Coding change: c.2938G>A on transcript NM_001366385.1 (MANE Select); coding-DNA position 2938, G replaced by A.
Protein change: p.Gly980Ser; replaces glycine 980 with serine.
Molecular consequence: missense variant. On other transcripts: non-coding transcript variant (1).
Genome position (GRCh38, 1-based): chr17:80,208,268, G>A. VCF-style: chr17-80208268-G-A. GRCh37 (hg19) VCF-style: chr17-78182067-G-A.
Other names: c.2938G>A (NM_024110.3); c.2938G>A, p.Gly980Ser (NM_024110.4); short protein forms G980S.
Identifiers: ClinVar variation 1003476 (VCV001003476.10), dbSNP rs750872801, ClinGen allele CA8817512.

ClinVar aggregate classification (germline): Uncertain significance. Review status: criteria provided, multiple submitters, no conflicts (2 of 4 stars). 2 submissions from 2 submitters: Uncertain significance (2). Last evaluated 2025-04-28.

Conditions:
Pityriasis rubra pilaris (PRP). Also called: Pityriasis rubra pilaris--familial type. Identifiers: Orphanet 2897, MedGen C0032027, MONDO:0100017, OMIM 173200, MONDO:0008251.
Psoriasis 2. Identifiers: MedGen C1864497, MONDO:0011269, OMIM 602723.
Inborn genetic diseases. Identifiers: MedGen C0950123, MeSH D030342.

Allele frequency attached by ClinVar (database versions not stated): TOPMed below 0.00001; gnomAD 0.00001; ExAC 0.00002; gnomAD exomes 0.00002 and 0.00003.
gnomAD v4.1: 35 of 1,594,446 alleles (0.0022%); highest among the groups gnomAD compares: South Asian, 0.0057%; no homozygotes.

Submissions (2):

Labcorp Genetics (formerly Invitae), Labcorp
Classification: Uncertain significance for Pityriasis rubra pilaris; Psoriasis 2. Last evaluated: 2025-04-28. Review status: criteria provided, single submitter. Criteria: Invitae Variant Classification Sherloc (09022015). Collection method: clinical testing. Allele origin: germline.
Comment: This sequence change replaces glycine, which is neutral and non-polar, with serine, which is neutral and polar, at codon 980 of the CARD14 protein (p.Gly980Ser). The frequency data for this variant in the population databases is considered unreliable, as metrics indicate poor data quality at this position in the gnomAD database. This variant has not been reported in the literature in individuals affected with CARD14-related conditions. ClinVar contains an entry for this variant (Variation ID: 1003476). Invitae Evidence Modeling of protein sequence and biophysical properties (such as structural, functional, and spatial information, amino acid conservation, physicochemical variation, residue mobility, and thermodynamic stability) indicates that this missense variant is not expected to disrupt CARD14 protein function with a negative predictive value of 95%. In summary, the available evidence is currently insufficient to determine the role of this variant in disease. Therefore, it has been classified as a Variant of Uncertain Significance.

Ambry Genetics
Classification: Uncertain significance for Inborn genetic diseases. Last evaluated: 2022-12-02. Review status: criteria provided, single submitter. Criteria: Ambry Variant Classification Scheme 2023. Collection method: clinical testing. Allele origin: germline.